The following is an entry in ClinVar:

ClinVar aggregate classification (germline): Uncertain significance. Review status: criteria provided, multiple submitters, no conflicts (2 of 4 stars). 3 submissions from 3 submitters: Uncertain significance (3). Last evaluated 2022-08-31.

Conditions:
Adenylosuccinate lyase deficiency (ADSLD). Also called: ADSL DEFICIENCY. Identifiers: Orphanet 46, MedGen C0268126, MONDO:0007068, OMIM 103050.
Inborn genetic diseases. Identifiers: MedGen C0950123, MeSH D030342.

Allele frequency attached by ClinVar (database versions not stated): TOPMed 0.00007; ESP Exome Variant Server 0.00008; gnomAD 0.00016.
gnomAD v4.1: 24 of 1,605,170 alleles (0.0015%); highest among the groups gnomAD compares: African/African-American, 0.015%; no homozygotes.

Submissions (3):

Labcorp Genetics (formerly Invitae), Labcorp
Classification: Uncertain significance for Adenylosuccinate lyase deficiency. Last evaluated: 2022-08-31. Review status: criteria provided, single submitter. Criteria: Invitae Variant Classification Sherloc (09022015). Collection method: clinical testing. Allele origin: germline.
Comment: This sequence change replaces aspartic acid, which is acidic and polar, with histidine, which is basic and polar, at codon 6 of the ADSL protein (p.Asp6His). This variant is present in population databases (rs140064577, gnomAD 0.03%). This variant has not been reported in the literature in individuals affected with ADSL-related conditions. ClinVar contains an entry for this variant (Variation ID: 281756). Advanced modeling of protein sequence and biophysical properties (such as structural, functional, and spatial information, amino acid conservation, physicochemical variation, residue mobility, and thermodynamic stability) performed at Invitae indicates that this missense variant is not expected to disrupt ADSL protein function. In summary, the available evidence is currently insufficient to determine the role of this variant in disease. Therefore, it has been classified as a Variant of Uncertain Significance.

Ambry Genetics
Classification: Uncertain significance for Inborn genetic diseases. Last evaluated: 2022-01-31. Review status: criteria provided, single submitter. Criteria: Ambry Variant Classification Scheme 2023. Collection method: clinical testing. Allele origin: germline.

Eurofins Ntd Llc (ga)
Classification: Uncertain significance. Last evaluated: 2015-07-08. Review status: criteria provided, single submitter. Criteria: EGL Classification Definitions 2015. Collection method: clinical testing. Allele origin: germline. Observed: 1 variant allele, 1 heterozygote.

NM_000026.4(ADSL):c.16G>C (p.Asp6His)

Gene: ADSL (adenylosuccinate lyase; plus strand). Cytogenetic location: 22q13.1.
Variant type: single nucleotide variant.
Coding change: c.16G>C on transcript NM_000026.4 (MANE Select); coding-DNA position 16, G replaced by C.
Protein change: p.Asp6His; replaces aspartic acid 6 with histidine.
Molecular consequence: missense variant. On other transcripts: 5 prime UTR variant (1), non-coding transcript variant (1).
Genome position (GRCh38, 1-based): chr22:40,346,574, G>C. VCF-style: chr22-40346574-G-C. GRCh37 (hg19) VCF-style: chr22-40742578-G-C.
Other names: c.16G>C, p.Asp6His (NM_001123378.3, NM_001363840.3); c.-122G>C (NM_001317923.2); short protein forms D6H.
Identifiers: ClinVar variation 281756 (VCV000281756.10), dbSNP rs140064577, ClinGen allele CA10247581.